The following is an entry in ClinVar:

NM_000051.4(ATM):c.3599_3600del (p.Thr1200fs)

Gene: ATM (ATM serine/threonine kinase; plus strand). Cytogenetic location: 11q22.3.
Variant type: Deletion.
Coding change: c.3599_3600del on transcript NM_000051.4 (MANE Select); coding-DNA positions 3599 to 3600, 2 bases deleted (CT; older notation c.3599_3600delCT).
Protein change: p.Thr1200fs; shifts the reading frame from threonine 1200.
Molecular consequence: frameshift variant.
Genome position (GRCh38, 1-based): chr11:108,282,732-108,282,733, CT deleted. VCF-style (leftmost placement, unchanged base first): chr11-108282731-ACT-A. GRCh37 (hg19) VCF-style: chr11-108153458-ACT-A.
Other names: c.3599_3600del, p.Thr1200fs (NM_001351834.2); short protein forms T1200fs.
Identifiers: ClinVar variation 3148595 (VCV003148595.1), dbSNP rs2546878915, ClinGen allele CA2825001836.

ClinVar aggregate classification (germline): Pathogenic (1 of 4 stars; one submission).

Conditions:
Familial cancer of breast. Also called: BREAST CANCER, FAMILIAL; Hereditary breast cancer; hereditary breast carcinoma. Identifiers: Orphanet 227535, MedGen C0346153, MONDO:0016419, OMIM 114480. Disease mechanism: loss of function.

Submission:

Myriad Genetics, Inc.
Classification: Pathogenic for Familial cancer of breast. Last evaluated: 2024-01-22. Review status: criteria provided, single submitter. Criteria: Myriad Autosomal Dominant, Autosomal Recessive and X-Linked Classification Criteria (2023). Collection method: clinical testing. Allele origin: unknown.
Comment: This variant is considered pathogenic. This variant creates a frameshift predicted to result in premature protein truncation.